The following is an entry in ClinVar:

ClinVar aggregate classification (germline): Uncertain significance (1 of 4 stars; one submission).

Conditions:
Hyper-IgM syndrome type 5 (HIGM5). Also called: Hyper-IgM Immunodeficiency Syndrome, Type 5. Identifiers: Orphanet 101092, MedGen C1720958, MONDO:0011971, OMIM 608106.

Submission:

Labcorp Genetics (formerly Invitae), Labcorp
Classification: Uncertain significance for Hyper-IgM syndrome type 5. Last evaluated: 2022-08-23. Review status: criteria provided, single submitter. Criteria: Invitae Variant Classification Sherloc (09022015). Collection method: clinical testing. Allele origin: germline.
Comment: In summary, the available evidence is currently insufficient to determine the role of this variant in disease. Therefore, it has been classified as a Variant of Uncertain Significance. Algorithms developed to predict the effect of missense changes on protein structure and function are either unavailable or do not agree on the potential impact of this missense change (SIFT: "Deleterious"; PolyPhen-2: "Probably Damaging"; Align-GVGD: "Class C0"). ClinVar contains an entry for this variant (Variation ID: 1062855). This variant has not been reported in the literature in individuals affected with UNG-related conditions. This variant is not present in population databases (gnomAD no frequency). This sequence change replaces aspartic acid, which is acidic and polar, with histidine, which is basic and polar, at codon 266 of the UNG protein (p.Asp266His).

NM_080911.3(UNG):c.796G>C (p.Asp266His)

Gene: UNG (uracil DNA glycosylase; plus strand). Cytogenetic location: 12q24.11.
Variant type: single nucleotide variant.
Coding change: c.796G>C on transcript NM_080911.3 (MANE Select); coding-DNA position 796, G replaced by C.
Protein change: p.Asp266His; replaces aspartic acid 266 with histidine.
Molecular consequence: missense variant.
Genome position (GRCh38, 1-based): chr12:109,103,606, G>C. VCF-style: chr12-109103606-G-C. GRCh37 (hg19) VCF-style: chr12-109541411-G-C.
Other names: c.769G>C, p.Asp257His (NM_003362.4); short protein forms D257H, D266H.
Identifiers: ClinVar variation 1062855 (VCV001062855.9), dbSNP rs2135887679, ClinGen allele CA386474395.
Genomic context (GRCh38, chr12:109,103,606, plus strand): 5'-TCGAATGGCCTTGTTTTCTTGCTCTGGGGCTCTTATGCTCAGAAGAAGGGCAGTGCCATT[G>C]ATAGGGTATGTTTTGTTTTCTTTCTTTTTTTTCTTTTTTTTTTAACACTATAAAAACAAT-3'
Protein context (NP_550433.1, residues 256-276): SYAQKKGSAI[Asp266His]RKRHHVLQTA